The following is an entry in ClinVar:

NM_018163.3(DNAJC17):c.829G>A (p.Val277Ile)

Gene: DNAJC17 (DnaJ heat shock protein family (Hsp40) member C17; minus strand). Cytogenetic location: 15q15.1.
Variant type: single nucleotide variant.
Coding change: c.829G>A on transcript NM_018163.3 (MANE Select); coding-DNA position 829, G replaced by A.
Protein change: p.Val277Ile; replaces valine 277 with isoleucine.
Molecular consequence: missense variant.
Genome position (GRCh38, 1-based): chr15:40,768,026, C>T on the plus strand (G>A on the coding strand, the complement: DNAJC17 is on the minus strand). VCF-style: chr15-40768026-C-T. GRCh37 (hg19) VCF-style: chr15-41060224-C-T.
Other names: short protein forms V277I.
Identifiers: ClinVar variation 4704177 (VCV004704177.1).
Genomic context (GRCh38, chr15:40,768,026, plus strand): 5'-CCTGCTGCATCCGTGCGATCAGCTGTTGCCGCTCGGCCGCCTGGCGCATGCGCATCATGA[C>T]GAGGCTCTCGTAGTCCCTCTCTGACAGCACTGAGCCCTGTCGGACAGGGCAGGGACAGGG-3'
Protein context (NP_060633.1, residues 267-287): VLSERDYESL[Val277Ile]MMRMRQAAER

ClinVar aggregate classification (germline): Uncertain significance (1 of 4 stars; one submission).

gnomAD v4.1: 2 of 1,596,392 alleles (0.00013%); highest among the groups gnomAD compares: Admixed American, 0.0018%; no homozygotes.

Submission:

Labcorp Genetics (formerly Invitae), Labcorp
Classification: Uncertain significance. Last evaluated: 2025-03-06. Review status: criteria provided, single submitter. Criteria: Invitae Variant Classification Sherloc (09022015). Collection method: clinical testing. Allele origin: germline.
Comment: This sequence change replaces valine, which is neutral and non-polar, with isoleucine, which is neutral and non-polar, at codon 277 of the DNAJC17 protein (p.Val277Ile). The frequency data for this variant in the population databases is considered unreliable, as metrics indicate poor data quality at this position in the gnomAD database. This variant has not been reported in the literature in individuals affected with DNAJC17-related conditions. An algorithm developed to predict the effect of missense changes on protein structure and function (PolyPhen-2) suggests that this variant is likely to be tolerated. In summary, the available evidence is currently insufficient to determine the role of this variant in disease. Therefore, it has been classified as a Variant of Uncertain Significance.